The following is an entry in ClinVar:

ClinVar aggregate classification (germline): Uncertain significance (1 of 4 stars; one submission).

Conditions:
Inflammatory skin and bowel disease, neonatal, 1. Identifiers: Orphanet 294023, MedGen C3280501, MONDO:0013693, OMIM 614328.

Allele frequency attached by ClinVar (database versions not stated): gnomAD 0.00001; gnomAD exomes 0.00001 and 0.00002; TOPMed 0.00001; ExAC 0.00002.
gnomAD v4.1: 6 of 1,614,096 alleles (0.00037%); highest among the groups gnomAD compares: Admixed American, 0.01%; no homozygotes.

Submission:

Labcorp Genetics (formerly Invitae), Labcorp
Classification: Uncertain significance for Inflammatory skin and bowel disease, neonatal, 1. Last evaluated: 2021-10-07. Review status: criteria provided, single submitter. Criteria: Invitae Variant Classification Sherloc (09022015). Collection method: clinical testing. Allele origin: germline.
Comment: In summary, the available evidence is currently insufficient to determine the role of this variant in disease. Therefore, it has been classified as a Variant of Uncertain Significance. Algorithms developed to predict the effect of missense changes on protein structure and function output the following: SIFT: "Not Available"; PolyPhen-2: "Benign"; Align-GVGD: "Not Available". The glutamic acid amino acid residue is found in multiple mammalian species, which suggests that this missense change does not adversely affect protein function. This variant has not been reported in the literature in individuals affected with ADAM17-related conditions. This variant is present in population databases (rs759653644, ExAC 0.02%). This sequence change replaces lysine with glutamic acid at codon 577 of the ADAM17 protein (p.Lys577Glu). The lysine residue is moderately conserved and there is a small physicochemical difference between lysine and glutamic acid.

NM_003183.6(ADAM17):c.1729A>G (p.Lys577Glu)

Genes: ADAM17 (ADAM metallopeptidase domain 17; minus strand), IAH1 (isoamyl acetate hydrolyzing esterase 1 (putative); plus strand). Cytogenetic location: 2p25.1.
Variant type: single nucleotide variant.
Coding change: c.1729A>G on transcript NM_003183.6 (MANE Select); coding-DNA position 1729, A replaced by G.
Protein change: p.Lys577Glu; replaces lysine 577 with glutamic acid.
Molecular consequence: missense variant.
Genome position (GRCh38, 1-based): chr2:9,497,168, T>C on the plus strand (A>G on the coding strand, the complement: ADAM17 is on the minus strand). VCF-style: chr2-9497168-T-C. GRCh37 (hg19) VCF-style: chr2-9637297-T-C.
Other names: c.1069A>G, p.Lys357Glu (NM_001382777.1); c.832A>G, p.Lys278Glu (NM_001382778.1); short protein forms K278E, K357E, K577E.
Identifiers: ClinVar variation 1432698 (VCV001432698.4), dbSNP rs759653644, ClinGen allele CA1523428.
Genomic context (GRCh38, chr2:9,497,168, plus strand): 5'-GCTCACCATTACATGCACAGGACTCCAGCTGCTGTTCCCTCTCGCAGAAAGGGATGCATT[T>C]CCCATCCTTACACTTGCCAAGATCCAAGCAAACAGTGTCATCTTCAGCATTTCCTGGAGG-3'
Protein context (NP_003174.3, residues 567-587): CLDLGKCKDG[Lys577Glu]CIPFCEREQQ